The following is an entry in ClinVar:

ClinVar aggregate classification (germline): Uncertain significance. Review status: criteria provided, multiple submitters, no conflicts (2 of 4 stars). 3 submissions from 3 submitters: Uncertain significance (3). Last evaluated 2023-04-03.

Conditions:
Familial thoracic aortic aneurysm and aortic dissection (TAAD). Also called: Thoracic aortic aneurysms and dissections. Identifiers: Orphanet 91387, MedGen C4707243, MONDO:0019625.
Ehlers-Danlos syndrome, type 4 (EDSVASC). Also called: Ehlers-Danlos syndrome vascular type; Ehlers Danlos syndrome, ecchymotic type; Ehlers Danlos syndrome, arterial type; Ehlers Danlos syndrome, Sack-Barabas type; Ehlers-Danlos Syndrome Type IV. Identifiers: Orphanet 286, MedGen C0268338, MONDO:0017314, OMIM 130050.

Allele frequency attached by ClinVar (database versions not stated): TOPMed below 0.00001; gnomAD 0.00001.
gnomAD v4.1: 2 of 1,551,546 alleles (0.00013%); highest among the groups gnomAD compares: Non-Finnish European, 0.000087%; no homozygotes.

Submissions (3):

All of Us Research Program, National Institutes of Health
Classification: Uncertain significance for Ehlers-Danlos syndrome, type 4. Last evaluated: 2023-04-03. Review status: criteria provided, single submitter. Criteria: ACMG Guidelines, 2015. Collection method: clinical testing. Allele origin: germline. Inheritance: Autosomal dominant inheritance. Observed: 1 variant allele, 1 heterozygote.
Comment: This missense variant replaces glycine with arginine at codon 836 of the COL3A1 protein. Computational prediction suggests that this variant may not impact protein structure and function (internally defined REVEL score threshold <= 0.5, PMID: 27666373). To our knowledge, functional studies have not been reported for this variant. This variant has not been reported in individuals affected with cardiovascular disorders in the literature. This variant has not been identified in the general population by the Genome Aggregation Database (gnomAD). The available evidence is insufficient to determine the role of this variant in disease conclusively. Therefore, this variant is classified as a Variant of Uncertain Significance.

This study involves interpretation of variants in research participants for the purpose of population health screening. Participant phenotype was not available at the time of variant classification. Additional details can be found in publication PMID: 35346344, PMCID: PMC8962531

Color Diagnostics, LLC DBA Color Health
Classification: Uncertain significance for Familial thoracic aortic aneurysm and aortic dissection. Last evaluated: 2023-03-15. Review status: criteria provided, single submitter. Criteria: ACMG Guidelines, 2015. Collection method: clinical testing. Allele origin: germline.
Comment: This missense variant replaces glycine with arginine at codon 836 of the COL3A1 protein. Computational prediction suggests that this variant may not impact protein structure and function (internally defined REVEL score threshold <= 0.5, PMID: 27666373). To our knowledge, functional studies have not been reported for this variant. This variant has not been reported in individuals affected with COL3A1-related disorders in the literature. This variant has not been identified in the general population by the Genome Aggregation Database (gnomAD). The available evidence is insufficient to determine the role of this variant in disease conclusively. Therefore, this variant is classified as a Variant of Uncertain Significance.

CHEO Genetics Diagnostic Laboratory, Children's Hospital of Eastern Ontario
Classification: Uncertain significance for Familial thoracic aortic aneurysm and aortic dissection. Last evaluated: 2020-08-25. Review status: criteria provided, single submitter. Criteria: ACMG Guidelines, 2015. Collection method: clinical testing. Allele origin: germline.

NM_000090.4(COL3A1):c.2506G>A (p.Gly836Arg)

Gene: COL3A1 (collagen type III alpha 1 chain; plus strand). Cytogenetic location: 2q32.2.
Variant type: single nucleotide variant.
Coding change: c.2506G>A on transcript NM_000090.4 (MANE Select); coding-DNA position 2506, G replaced by A.
Protein change: p.Gly836Arg; replaces glycine 836 with arginine.
Molecular consequence: missense variant.
Genome position (GRCh38, 1-based): chr2:189,003,015, G>A. VCF-style: chr2-189003015-G-A. GRCh37 (hg19) VCF-style: chr2-189867741-G-A.
Other names: short protein forms G836R.
Identifiers: ClinVar variation 1329346 (VCV001329346.7), dbSNP rs1363971558, ClinGen allele CA077675.